The following is an entry in ClinVar:

ClinVar aggregate classification (germline): Benign. Review status: criteria provided, single submitter (1 of 4 stars). 2 submissions from 2 submitters: Benign (1). 1 of the submissions does not count toward it. Last evaluated 2025-06-02.

Conditions:
RYR3-related disorder. Also called: RYR3-related condition.
Epileptic encephalopathy. Identifiers: MedGen C0543888, HP:0200134.

Allele frequency attached by ClinVar (database versions not stated): gnomAD exomes 0.00089; ExAC 0.00107; 1000 Genomes Project 0.00339; gnomAD 0.00343 and 0.00369; 1000 Genomes Project 30x 0.00359; TOPMed 0.00395; ESP Exome Variant Server 0.00461.
gnomAD v4.1: 988 of 1,612,494 alleles (0.061%); highest among the groups gnomAD compares: African/African-American, 1.2%; 8 homozygotes.

Submissions (2):

Labcorp Genetics (formerly Invitae), Labcorp
Classification: Benign for Epileptic encephalopathy. Last evaluated: 2025-06-02. Review status: criteria provided, single submitter. Criteria: Invitae Variant Classification Sherloc (09022015). Collection method: clinical testing. Allele origin: germline.

PreventionGenetics, part of Exact Sciences
Classification: Benign for RYR3-related condition. Last evaluated: 2019-05-29. Review status: no assertion criteria provided. Collection method: clinical testing. Allele origin: germline. Not counted in ClinVar's aggregate classification.
Comment: This variant is classified as benign based on ACMG/AMP sequence variant interpretation guidelines (Richards et al. 2015 PMID: 25741868, with internal and published modifications).

NM_001036.6(RYR3):c.1295T>G (p.Ile432Ser)

Gene: RYR3 (ryanodine receptor 3; plus strand). Cytogenetic location: 15q14.
Variant type: single nucleotide variant.
Coding change: c.1295T>G on transcript NM_001036.6 (MANE Select); coding-DNA position 1295, T replaced by G.
Protein change: p.Ile432Ser; replaces isoleucine 432 with serine.
Molecular consequence: missense variant.
Genome position (GRCh38, 1-based): chr15:33,580,002, T>G. VCF-style: chr15-33580002-T-G. GRCh37 (hg19) VCF-style: chr15-33872203-T-G.
Other names: c.1295T>G, p.Ile432Ser (NM_001243996.4); short protein forms I432S.
Identifiers: ClinVar variation 461857 (VCV000461857.13), dbSNP rs202244063, ClinGen allele CA7458097.